The following is an entry in ClinVar:

ClinVar aggregate classification (germline): Likely benign. Review status: criteria provided, multiple submitters, no conflicts (2 of 4 stars). 4 submissions from 4 submitters: Likely benign (3). 1 of the submissions does not count toward it. Last evaluated 2026-01-17.

Conditions:
RIN2-related disorder. Also called: RIN2-related condition.

Allele frequency attached by ClinVar (database versions not stated): gnomAD 0.00025; TOPMed 0.00026; ESP Exome Variant Server 0.00042; ExAC 0.00056.
gnomAD v4.1: 588 of 1,614,028 alleles (0.036%); highest among the groups gnomAD compares: Middle Eastern, 0.28%; 4 homozygotes.

Submissions (4):

Labcorp Genetics (formerly Invitae), Labcorp
Classification: Likely benign. Last evaluated: 2026-01-17. Review status: criteria provided, single submitter. Criteria: Invitae Variant Classification Sherloc (09022015). Collection method: clinical testing. Allele origin: germline.

GeneDx
Classification: Likely benign. Last evaluated: 2020-12-08. Review status: criteria provided, single submitter. Criteria: GeneDx Variant Classification Process June 2021. Collection method: clinical testing. Allele origin: germline. Affected: yes.

Breakthrough Genomics
Classification: Likely benign. Review status: criteria provided, single submitter. Criteria: ACMG Guidelines, 2015. Collection method: not provided. Allele origin: germline. Inheritance: Autosomal recessive inheritance. Affected: yes.

PreventionGenetics, part of Exact Sciences
Classification: Benign for RIN2-related condition. Last evaluated: 2019-03-20. Review status: no assertion criteria provided. Collection method: clinical testing. Allele origin: germline. Not counted in ClinVar's aggregate classification.
Comment: This variant is classified as benign based on ACMG/AMP sequence variant interpretation guidelines (Richards et al. 2015 PMID: 25741868, with internal and published modifications).

NM_018993.4(RIN2):c.868C>A (p.Arg290=)

Gene: RIN2 (Ras and Rab interactor 2; plus strand). Cytogenetic location: 20p11.23.
Variant type: single nucleotide variant.
Coding change: c.868C>A on transcript NM_018993.4 (MANE Select); coding-DNA position 868, C replaced by A.
Protein change: p.Arg290=; no amino-acid change (arginine 290 retained).
Molecular consequence: synonymous variant.
Genome position (GRCh38, 1-based): chr20:19,974,893, C>A. VCF-style: chr20-19974893-C-A. GRCh37 (hg19) VCF-style: chr20-19955537-C-A.
Other names: c.1015C>A, p.Arg339= (NM_001242581.2); c.250C>A, p.Arg84= (NM_001378238.1).
Identifiers: ClinVar variation 510697 (VCV000510697.16), dbSNP rs373060422, ClinGen allele CA9779952.